The following is an entry in ClinVar:

NM_001083961.2(WDR62):c.4481A>G (p.Tyr1494Cys)

Gene: WDR62 (WD repeat domain 62; plus strand). Cytogenetic location: 19q13.12.
Variant type: single nucleotide variant.
Coding change: c.4481A>G on transcript NM_001083961.2 (MANE Select); coding-DNA position 4481, A replaced by G.
Protein change: p.Tyr1494Cys; replaces tyrosine 1494 with cysteine.
Molecular consequence: missense variant.
Genome position (GRCh38, 1-based): chr19:36,104,937, A>G. VCF-style: chr19-36104937-A-G. GRCh37 (hg19) VCF-style: chr19-36595839-A-G.
Other names: c.4466A>G, p.Tyr1489Cys (NM_173636.5); short protein forms Y1494C, Y1489C.
Identifiers: ClinVar variation 285952 (VCV000285952.9), dbSNP rs886043267, ClinGen allele CA10605311.

ClinVar aggregate classification (germline): Uncertain significance. Review status: criteria provided, multiple submitters, no conflicts (2 of 4 stars). 2 submissions from 2 submitters: Uncertain significance (2). Last evaluated 2022-05-21.

Allele frequency attached by ClinVar (database versions not stated): gnomAD exomes below 0.00001.
gnomAD v4.1: 2 of 1,608,100 alleles (0.00012%); highest among the groups gnomAD compares: African/African-American, 0.0013%; no homozygotes.

Submissions (2):

Labcorp Genetics (formerly Invitae), Labcorp
Classification: Uncertain significance. Last evaluated: 2022-05-21. Review status: criteria provided, single submitter. Criteria: Invitae Variant Classification Sherloc (09022015). Collection method: clinical testing. Allele origin: germline.
Comment: This sequence change replaces tyrosine, which is neutral and polar, with cysteine, which is neutral and slightly polar, at codon 1494 of the WDR62 protein (p.Tyr1494Cys). In summary, the available evidence is currently insufficient to determine the role of this variant in disease. Therefore, it has been classified as a Variant of Uncertain Significance. Algorithms developed to predict the effect of missense changes on protein structure and function output the following: SIFT: "Tolerated"; PolyPhen-2: "Benign"; Align-GVGD: "Class C0". The cysteine amino acid residue is found in multiple mammalian species, which suggests that this missense change does not adversely affect protein function. ClinVar contains an entry for this variant (Variation ID: 285952). This variant has not been reported in the literature in individuals affected with WDR62-related conditions. This variant is not present in population databases (gnomAD no frequency).

Eurofins Ntd Llc (ga)
Classification: Uncertain significance. Last evaluated: 2017-07-18. Review status: criteria provided, single submitter. Criteria: EGL Classification Definitions 2015. Collection method: clinical testing. Allele origin: germline. Observed: 1 variant allele, 1 heterozygote.